The following is an entry in ClinVar:

NM_000493.4(COL10A1):c.1777A>G (p.Ile593Val)

Genes: COL10A1 (collagen type X alpha 1 chain; minus strand), NT5DC1 (5'-nucleotidase domain containing 1; plus strand). Cytogenetic location: 6q22.1.
Variant type: single nucleotide variant.
Coding change: c.1777A>G on transcript NM_000493.4 (MANE Select); coding-DNA position 1777, A replaced by G.
Protein change: p.Ile593Val; replaces isoleucine 593 with valine.
Molecular consequence: missense variant. On other transcripts: intron variant (1).
Genome position (GRCh38, 1-based): chr6:116,120,339, T>C on the plus strand (A>G on the coding strand, the complement: COL10A1 is on the minus strand). VCF-style: chr6-116120339-T-C. GRCh37 (hg19) VCF-style: chr6-116441502-T-C.
Other names: c.1777A>G, p.Ile593Val (NM_001424106.1, NM_001424107.1); c.529+2394T>C (NM_152729.3); short protein forms I593V.
Identifiers: ClinVar variation 1901146 (VCV001901146.6), dbSNP rs1264254835, ClinGen allele CA365386897.
Genomic context (GRCh38, chr6:116,120,339, plus strand): 5'-CTACCCAAACATGAGTCCCTTTCACATGCACGTGGTATGAAAAATAGTATATTCCTGGTA[T>C]CTGACAAGTAAAGATTCCAGTCCTTGGGTCATAATGCTGTTGCCTGTTATACAAAATTTT-3'
Protein context (NP_000484.2, residues 583-603): DPRTGIFTCQ[Ile593Val]PGIYYFSYHV

ClinVar aggregate classification (germline): Uncertain significance. Review status: criteria provided, multiple submitters, no conflicts (2 of 4 stars). 2 submissions from 2 submitters: Uncertain significance (2). Last evaluated 2025-04-23.

Conditions:
Inborn genetic diseases. Identifiers: MedGen C0950123, MeSH D030342.

Allele frequency attached by ClinVar (database versions not stated): gnomAD 0.00001; gnomAD exomes 0.00001; TOPMed 0.00002.
gnomAD v4.1: 20 of 1,614,138 alleles (0.0012%); highest among the groups gnomAD compares: Non-Finnish European, 0.0016%; no homozygotes.

Submissions (2):

Labcorp Genetics (formerly Invitae), Labcorp
Classification: Uncertain significance. Last evaluated: 2025-04-23. Review status: criteria provided, single submitter. Criteria: Invitae Variant Classification Sherloc (09022015). Collection method: clinical testing. Allele origin: germline.
Comment: This sequence change replaces isoleucine, which is neutral and non-polar, with valine, which is neutral and non-polar, at codon 593 of the COL10A1 protein (p.Ile593Val). This variant is present in population databases (no rsID available, gnomAD 0.007%). This variant has not been reported in the literature in individuals affected with COL10A1-related conditions. ClinVar contains an entry for this variant (Variation ID: 1901146). An algorithm developed to predict the effect of missense changes on protein structure and function outputs the following: PolyPhen-2: "Benign". The valine amino acid residue is found in multiple mammalian species, which suggests that this missense change does not adversely affect protein function. In summary, the available evidence is currently insufficient to determine the role of this variant in disease. Therefore, it has been classified as a Variant of Uncertain Significance.

Ambry Genetics
Classification: Uncertain significance for Inborn genetic diseases. Last evaluated: 2024-05-30. Review status: criteria provided, single submitter. Criteria: Ambry Variant Classification Scheme 2023. Collection method: clinical testing. Allele origin: germline.